The following is an entry in ClinVar:

NM_001243177.4(ALDOA):c.644C>T (p.Ala215Val)

Genes: ALDOA (aldolase, fructose-bisphosphate A; plus strand), LOC112694756 (uncharaterized LOC112694756; plus strand). Cytogenetic location: 16p11.2.
Variant type: single nucleotide variant.
Coding change: c.644C>T on transcript NM_001243177.4 (MANE Select); coding-DNA position 644, C replaced by T.
Protein change: p.Ala215Val; replaces alanine 215 with valine.
Molecular consequence: missense variant. On other transcripts: 3 prime UTR variant (3).
Genome position (GRCh38, 1-based): chr16:30,068,920, C>T. VCF-style: chr16-30068920-C-T. GRCh37 (hg19) VCF-style: chr16-30080241-C-T.
Other names: NM_000034.3:c.482C>T; c.*991C>T (NM_001365304.2, NM_001365305.2, NM_001365307.2); c.482C>T, p.Ala161Val (NM_001127617.2, NM_184041.5, NM_184043.2); short protein forms A161V, A215V.
Identifiers: ClinVar variation 1009617 (VCV001009617.7), dbSNP rs1463243958, ClinGen allele CA395488246.

ClinVar aggregate classification (germline): Uncertain significance. Review status: criteria provided, multiple submitters, no conflicts (2 of 4 stars). 2 submissions from 2 submitters: Uncertain significance (2). Last evaluated 2025-12-22.

Conditions:
HNSHA due to aldolase A deficiency (GSD12). Also called: GLYCOGEN STORAGE DISEASE XII; GSD XII; RED CELL ALDOLASE DEFICIENCY; Glycogen storage disease due to aldolase A deficiency. Identifiers: Orphanet 57, MedGen C0272066, MONDO:0012747, OMIM 611881.
ALDOA-related disorder. Also called: ALDOA-related condition.

Allele frequency attached by ClinVar (database versions not stated): gnomAD exomes 0.00001.
gnomAD v4.1: 4 of 1,614,244 alleles (0.00025%); highest among the groups gnomAD compares: Admixed American, 0.0033%; no homozygotes.

Submissions (2):

PreventionGenetics, part of Exact Sciences
Classification: Uncertain significance for ALDOA-related condition. Last evaluated: 2025-12-22. Review status: criteria provided, single submitter. Criteria: ACMG Guidelines, 2015. Collection method: clinical testing. Allele origin: germline.
Comment: The ALDOA c.482C>T variant is predicted to result in the amino acid substitution p.Ala161Val. To our knowledge, this variant has not been reported in the literature. This variant is reported in 0.0058% of alleles in individuals of Latino descent in gnomAD. At this time, the clinical significance of this variant is uncertain due to the absence of conclusive functional and genetic evidence.

Labcorp Genetics (formerly Invitae), Labcorp
Classification: Uncertain significance for HNSHA due to aldolase A deficiency. Last evaluated: 2021-08-31. Review status: criteria provided, single submitter. Criteria: Invitae Variant Classification Sherloc (09022015). Collection method: clinical testing. Allele origin: germline.
Comment: This sequence change replaces alanine with valine at codon 161 of the ALDOA protein (p.Ala161Val). The alanine residue is weakly conserved and there is a small physicochemical difference between alanine and valine. This variant is not present in population databases (ExAC no frequency). This variant has not been reported in the literature in individuals affected with ALDOA-related conditions. Algorithms developed to predict the effect of missense changes on protein structure and function (SIFT, PolyPhen-2, Align-GVGD) all suggest that this variant is likely to be tolerated. In summary, the available evidence is currently insufficient to determine the role of this variant in disease. Therefore, it has been classified as a Variant of Uncertain Significance.